The following is an entry in ClinVar:

ClinVar aggregate classification (germline): Uncertain significance (1 of 4 stars; one submission).

Allele frequency attached by ClinVar (database versions not stated): gnomAD 0.00001; TOPMed 0.00001; ESP Exome Variant Server 0.00008.
gnomAD v4.1: 11 of 1,613,482 alleles (0.00068%); highest among the groups gnomAD compares: East Asian, 0.0022%; no homozygotes.

Submission:

Labcorp Genetics (formerly Invitae), Labcorp
Classification: Uncertain significance. Last evaluated: 2022-04-23. Review status: criteria provided, single submitter. Criteria: Invitae Variant Classification Sherloc (09022015). Collection method: clinical testing. Allele origin: germline.
Comment: This sequence change replaces isoleucine, which is neutral and non-polar, with threonine, which is neutral and polar, at codon 434 of the C6 protein (p.Ile434Thr). This variant is present in population databases (rs368195440, gnomAD 0.0009%). This variant has not been reported in the literature in individuals affected with C6-related conditions. Algorithms developed to predict the effect of missense changes on protein structure and function (SIFT, PolyPhen-2, Align-GVGD) all suggest that this variant is likely to be tolerated. In summary, the available evidence is currently insufficient to determine the role of this variant in disease. Therefore, it has been classified as a Variant of Uncertain Significance.

NM_000065.5(C6):c.1301T>C (p.Ile434Thr)

Gene: C6 (complement C6; minus strand). Cytogenetic location: 5p13.1.
Variant type: single nucleotide variant.
Coding change: c.1301T>C on transcript NM_000065.5 (MANE Select); coding-DNA position 1301, T replaced by C.
Protein change: p.Ile434Thr; replaces isoleucine 434 with threonine.
Molecular consequence: missense variant.
Genome position (GRCh38, 1-based): chr5:41,161,850, A>G on the plus strand (T>C on the coding strand, the complement: C6 is on the minus strand). VCF-style: chr5-41161850-A-G. GRCh37 (hg19) VCF-style: chr5-41161952-A-G.
Other names: c.1301T>C, p.Ile434Thr (NM_001115131.4); short protein forms I434T.
Identifiers: ClinVar variation 2178791 (VCV002178791.4), dbSNP rs368195440, ClinGen allele CA3252498.